The following is an entry in ClinVar:

NM_014927.5(CNKSR2):c.2740A>G (p.Arg914Gly)

Gene: CNKSR2 (connector enhancer of kinase suppressor of Ras 2; plus strand). Cytogenetic location: Xp22.12.
Variant type: single nucleotide variant.
Coding change: c.2740A>G on transcript NM_014927.5 (MANE Select); coding-DNA position 2740, A replaced by G.
Protein change: p.Arg914Gly; replaces arginine 914 with glycine.
Molecular consequence: missense variant.
Genome position (GRCh38, 1-based): chrX:21,648,878, A>G. VCF-style: chrX-21648878-A-G. GRCh37 (hg19) VCF-style: chrX-21666996-A-G.
Other names: c.2650A>G, p.Arg884Gly (NM_001168647.3); c.2593A>G, p.Arg865Gly (NM_001330770.2); c.2503A>G, p.Arg835Gly (NM_001330772.2); short protein forms R835G, R865G, R884G, R914G.
Identifiers: ClinVar variation 1722892 (VCV001722892.2), dbSNP rs2519447449, ClinGen allele CA412553693.

ClinVar aggregate classification (germline): Uncertain significance (1 of 4 stars; one submission).

Submission:

GeneDx
Classification: Uncertain significance. Last evaluated: 2022-05-06. Review status: criteria provided, single submitter. Criteria: GeneDx Variant Classification Process June 2021. Collection method: clinical testing. Allele origin: germline. Affected: yes.
Comment: Not observed at significant frequency in large population cohorts (gnomAD); In silico analysis supports that this missense variant has a deleterious effect on protein structure/function; Has not been previously published as pathogenic or benign to our knowledge